The following is an entry in ClinVar:

NM_013393.3(MRM2):c.87C>T (p.Gly29=)

Gene: MRM2 (mitochondrial rRNA methyltransferase 2; minus strand). Cytogenetic location: 7p22.3.
Variant type: single nucleotide variant.
Coding change: c.87C>T on transcript NM_013393.3 (MANE Select); coding-DNA position 87, C replaced by T.
Protein change: p.Gly29=; no amino-acid change (glycine 29 retained).
Molecular consequence: synonymous variant.
Genome position (GRCh38, 1-based): chr7:2,239,629, G>A on the plus strand (C>T on the coding strand, the complement: MRM2 is on the minus strand). VCF-style: chr7-2239629-G-A. GRCh37 (hg19) VCF-style: chr7-2279264-G-A.
Other names: c.87C>T (NM_013393.1).
Identifiers: ClinVar variation 2657226 (VCV002657226.25), dbSNP rs183764913, ClinGen allele CA4124104.

ClinVar aggregate classification (germline): Likely benign. Review status: criteria provided, single submitter (1 of 4 stars). 2 submissions from 2 submitters: Likely benign (1). 1 of the submissions does not count toward it. Last evaluated 2022-10-01.

Conditions:
MRM2-related disorder. Also called: MRM2-related condition.

Allele frequency attached by ClinVar (database versions not stated): gnomAD exomes 0.00007; TOPMed 0.00010; ESP Exome Variant Server 0.00015; 1000 Genomes Project 30x 0.00047; 1000 Genomes Project 0.00060.
gnomAD v4.1: 124 of 1,613,462 alleles (0.0077%); highest among the groups gnomAD compares: East Asian, 0.18%; no homozygotes.

Submissions (2):

CeGaT Center for Human Genetics Tuebingen
Classification: Likely benign. Last evaluated: 2022-10-01. Review status: criteria provided, single submitter. Criteria: CeGaT Center For Human Genetics Tuebingen Variant Classification Criteria Version 2. Collection method: clinical testing. Allele origin: germline. Affected: yes. Observed: 1 variant allele.
Comment: MRM2: BP4, BP7

PreventionGenetics, part of Exact Sciences
Classification: Likely benign for MRM2-related condition. Last evaluated: 2019-12-09. Review status: no assertion criteria provided. Collection method: clinical testing. Allele origin: germline. Not counted in ClinVar's aggregate classification.
Comment: This variant is classified as likely benign based on ACMG/AMP sequence variant interpretation guidelines (Richards et al. 2015 PMID: 25741868, with internal and published modifications).